The following is an entry in ClinVar:

ClinVar aggregate classification (germline): Pathogenic (1 of 4 stars; one submission).

Conditions:
Glutaric aciduria, type 1. Also called: GA I; Glutaryl-CoA dehydrogenase deficiency; Glutaric acidemia type I; Glutaricaciduria, type I; Glutaricacidemia Type 1; Glutaric Acidemia Type 1. Identifiers: Orphanet 25, MedGen C0268595, MONDO:0009281, OMIM 231670.

Submission:

Labcorp Genetics (formerly Invitae), Labcorp
Classification: Pathogenic for Glutaric aciduria, type 1. Last evaluated: 2024-01-04. Review status: criteria provided, single submitter. Criteria: Invitae Variant Classification Sherloc (09022015). Collection method: clinical testing. Allele origin: germline.
Comment: This variant, c.479_481del, results in the deletion of 1 amino acid(s) of the GCDH protein (p.Gln160del), but otherwise preserves the integrity of the reading frame. This variant is present in population databases (no rsID available, gnomAD 0.0009%). This variant has not been reported in the literature in individuals affected with GCDH-related conditions. This variant disrupts a region of the GCDH protein in which other variant(s) (p.Gln160Arg) have been determined to be pathogenic (PMID: 20084589; Invitae). This suggests that this is a clinically significant region of the protein, and that variants that disrupt it are likely to be disease-causing. For these reasons, this variant has been classified as Pathogenic.

Literature cited by the submitters: PubMed 20084589.

NM_000159.4(GCDH):c.479_481del (p.Gln160del)

Gene: GCDH (glutaryl-CoA dehydrogenase; plus strand). Cytogenetic location: 19p13.13.
Variant type: Deletion.
Coding change: c.479_481del on transcript NM_000159.4 (MANE Select); coding-DNA positions 479 to 481, 3 bases deleted (AGC; older notation c.479_481delAGC).
Protein change: p.Gln160del; deletes glutamine 160.
Molecular consequence: inframe deletion. On other transcripts: non-coding transcript variant (2).
Genome position (GRCh38, 1-based): chr19:12,893,627-12,893,629, AGC deleted; deleting any 3 consecutive bases within chr19:12,893,626-12,893,629 gives the same sequence; the c. name uses the placement nearest the transcript's 3' end. VCF-style (leftmost placement, unchanged base first): chr19-12893625-ACAG-A. GRCh37 (hg19) VCF-style: chr19-13004439-ACAG-A.
Other names: c.479_481del, p.Gln160del (NM_013976.5); short protein forms Q160del.
Identifiers: ClinVar variation 2705313 (VCV002705313.3), dbSNP rs1436960118, ClinGen allele CA632121724.